The following is an entry in ClinVar:

ClinVar aggregate classification (germline): Uncertain significance (1 of 4 stars; one submission).

Allele frequency attached by ClinVar (database versions not stated): gnomAD exomes below 0.00001; TOPMed below 0.00001; ExAC 0.00001; gnomAD 0.00001.
gnomAD v4.1: 9 of 1,613,682 alleles (0.00056%); highest among the groups gnomAD compares: East Asian, 0.0067%; no homozygotes.

Submission:

Labcorp Genetics (formerly Invitae), Labcorp
Classification: Uncertain significance. Last evaluated: 2023-05-17. Review status: criteria provided, single submitter. Criteria: Invitae Variant Classification Sherloc (09022015). Collection method: clinical testing. Allele origin: germline.
Comment: This variant is present in population databases (rs780280710, gnomAD 0.006%). In summary, the available evidence is currently insufficient to determine the role of this variant in disease. Therefore, it has been classified as a Variant of Uncertain Significance. An algorithm developed to predict the effect of missense changes on protein structure and function (PolyPhen-2) suggests that this variant is likely to be tolerated. This variant has not been reported in the literature in individuals affected with SORL1-related conditions. This sequence change replaces methionine, which is neutral and non-polar, with arginine, which is basic and polar, at codon 307 of the SORL1 protein (p.Met307Arg).

NM_003105.6(SORL1):c.920T>G (p.Met307Arg)

Gene: SORL1 (sortilin related receptor 1; plus strand). Cytogenetic location: 11q24.1.
Variant type: single nucleotide variant.
Coding change: c.920T>G on transcript NM_003105.6 (MANE Select); coding-DNA position 920, T replaced by G.
Protein change: p.Met307Arg; replaces methionine 307 with arginine.
Molecular consequence: missense variant.
Genome position (GRCh38, 1-based): chr11:121,497,030, T>G. VCF-style: chr11-121497030-T-G. GRCh37 (hg19) VCF-style: chr11-121367739-T-G.
Other names: short protein forms M307R.
Identifiers: ClinVar variation 2984125 (VCV002984125.3), dbSNP rs780280710, ClinGen allele CA6328499.